The following is an entry in ClinVar:

NM_022356.4(P3H1):c.1840G>T (p.Ala614Ser)

Gene: P3H1 (prolyl 3-hydroxylase 1; minus strand). Cytogenetic location: 1p34.2.
Variant type: single nucleotide variant.
Coding change: c.1840G>T on transcript NM_022356.4 (MANE Select); coding-DNA position 1840, G replaced by T.
Protein change: p.Ala614Ser; replaces alanine 614 with serine.
Molecular consequence: missense variant.
Genome position (GRCh38, 1-based): chr1:42,747,797, C>A on the plus strand (G>T on the coding strand, the complement: P3H1 is on the minus strand). VCF-style: chr1-42747797-C-A. GRCh37 (hg19) VCF-style: chr1-43213468-C-A.
Other names: c.1840G>T, p.Ala614Ser (NM_001146289.2, NM_001243246.2); short protein forms A614S.
Identifiers: ClinVar variation 468978 (VCV000468978.6), dbSNP rs868224632, ClinGen allele CA339953557.

ClinVar aggregate classification (germline): Uncertain significance (1 of 4 stars; one submission).

Conditions:
Osteogenesis imperfecta type 8 (OI8). Identifiers: MedGen C1970458, MONDO:0012581, OMIM 610915.

gnomAD v4.1: 6 of 1,614,102 alleles (0.00037%); highest among the groups gnomAD compares: Middle Eastern, 0.017%; no homozygotes.

Submission:

Labcorp Genetics (formerly Invitae), Labcorp
Classification: Uncertain significance for Osteogenesis imperfecta type 8. Last evaluated: 2022-06-20. Review status: criteria provided, single submitter. Criteria: Invitae Variant Classification Sherloc (09022015). Collection method: clinical testing. Allele origin: germline.
Comment: This sequence change replaces alanine, which is neutral and non-polar, with serine, which is neutral and polar, at codon 614 of the P3H1 protein (p.Ala614Ser). This variant is not present in population databases (gnomAD no frequency). This variant has not been reported in the literature in individuals affected with P3H1-related conditions. ClinVar contains an entry for this variant (Variation ID: 468978). Algorithms developed to predict the effect of missense changes on protein structure and function are either unavailable or do not agree on the potential impact of this missense change (SIFT: "Tolerated"; PolyPhen-2: "Probably Damaging"; Align-GVGD: "Class C0"). In summary, the available evidence is currently insufficient to determine the role of this variant in disease. Therefore, it has been classified as a Variant of Uncertain Significance.